The following is an entry in ClinVar:

ClinVar aggregate classification (germline): Uncertain significance (1 of 4 stars; one submission).

gnomAD v4.1: 6 of 1,606,946 alleles (0.00037%); highest among the groups gnomAD compares: Admixed American, 0.0017%; no homozygotes.

Submission:

GeneDx
Classification: Uncertain significance. Last evaluated: 2025-08-14. Review status: criteria provided, single submitter. Criteria: GeneDx Variant Classification Process June 2021. Collection method: clinical testing. Allele origin: germline. Affected: yes.
Comment: In silico analysis supports that this missense variant has a deleterious effect on protein structure/function; Has not been previously published as pathogenic or benign to our knowledge

NM_000142.5(FGFR3):c.2173A>G (p.Met725Val)

Gene: FGFR3 (fibroblast growth factor receptor 3; plus strand). Cytogenetic location: 4p16.3.
Variant type: single nucleotide variant.
Coding change: c.2173A>G on transcript NM_000142.5 (MANE Select); coding-DNA position 2173, A replaced by G.
Protein change: p.Met725Val; replaces methionine 725 with valine.
Molecular consequence: missense variant. On other transcripts: non-coding transcript variant (1).
Genome position (GRCh38, 1-based): chr4:1,806,833, A>G. VCF-style: chr4-1806833-A-G. GRCh37 (hg19) VCF-style: chr4-1808560-A-G.
Other names: c.2105A>G, p.His702Arg (NM_001354810.2); c.1837A>G, p.Met613Val (NM_022965.4); c.2179A>G, p.Met727Val (NM_001163213.2); c.2176A>G, p.Met726Val (NM_001354809.2); short protein forms M613V, M726V, M727V, H702R, M725V.
Identifiers: ClinVar variation 4795379 (VCV004795379.1).